The following is an entry in ClinVar:

ClinVar aggregate classification (germline): Likely pathogenic. Review status: criteria provided, multiple submitters, no conflicts (2 of 4 stars). 6 submissions from 6 submitters: Likely pathogenic (6). Last evaluated 2025-08-20.

Conditions:
Hereditary cancer-predisposing syndrome. Also called: Tumor predisposition; Hereditary neoplastic syndrome; Hereditary Cancer Syndrome; Neoplastic Syndromes, Hereditary. Identifiers: Orphanet 140162, MedGen C0027672, MeSH D009386, MONDO:0015356.
Familial cancer of breast. Also called: hereditary breast carcinoma; BREAST CANCER, FAMILIAL; Hereditary breast cancer. Identifiers: Orphanet 227535, MedGen C0346153, MONDO:0016419, OMIM 114480. Disease mechanism: loss of function.

Allele frequency attached by ClinVar (database versions not stated): gnomAD exomes below 0.00001.
gnomAD v4.1: 2 of 1,608,108 alleles (0.00012%); highest among the groups gnomAD compares: Non-Finnish European, 0.00017%; no homozygotes.

Submissions (6):

Ambry Genetics
Classification: Likely pathogenic for Hereditary cancer-predisposing syndrome. Last evaluated: 2025-08-20. Review status: criteria provided, single submitter. Criteria: Ambry Variant Classification Scheme 2023. Collection method: clinical testing. Allele origin: germline.
Comment: The c.215+2T>C intronic variant results from a T to C substitution two nucleotides after coding exon 2 in the BARD1 gene. The resulting transcript is predicted to be in-frame and is not expected to trigger nonsense-mediated mRNA decay; however, direct evidence is unavailable. This variant was classified as likely pathogenic in a study utilizing nanopore sequencing, short-read RNA sequencing, and capillary electrophoresis to investigate alternative splicing of BARD1 in various non-cancer tissue types (Walker LC et al. Front Genet, 2019 Nov;10:1139). This variant is considered to be rare based on population cohorts in the Genome Aggregation Database (gnomAD). This nucleotide position is highly conserved in available vertebrate species. In silico splice site analysis predicts that this alteration will weaken the native splice donor site; however, direct evidence is insufficient at this time (Ambry internal data). Based on the majority of available evidence to date, this variant is likely to be pathogenic.

Color Diagnostics, LLC DBA Color Health
Classification: Likely pathogenic for Hereditary cancer-predisposing syndrome. Last evaluated: 2025-06-23. Review status: criteria provided, single submitter. Criteria: ACMG Guidelines, 2015. Collection method: clinical testing. Allele origin: germline.
Comment: This variant causes T to C nucleotide substitution at the +2 position of intron 2 of the BARD1 gene. Splice site prediction tools suggest that this variant may have a significant impact on RNA splicing. Although this prediction has not been confirmed in published RNA studies, this variant is expected to disrupt the RING domain which is critical for BARD1 protein function. This variant has not been reported in individuals affected with BARD1-related disorders in the literature. This variant has been identified in 1/251120 chromosomes in the general population by the Genome Aggregation Database (gnomAD). Based on the available evidence, this variant is classified as Likely Pathogenic.

Labcorp Genetics (formerly Invitae), Labcorp
Classification: Likely pathogenic for Familial cancer of breast. Last evaluated: 2024-07-19. Review status: criteria provided, single submitter. Criteria: Invitae Variant Classification Sherloc (09022015). Collection method: clinical testing. Allele origin: germline.
Comment: This sequence change affects a donor splice site in intron 2 of the BARD1 gene. It is expected to disrupt RNA splicing. Variants that disrupt the donor or acceptor splice site typically lead to a loss of protein function (PMID: 16199547), and loss-of-function variants in BARD1 are known to be pathogenic (PMID: 20077502, 21344236). This variant is not present in population databases (gnomAD no frequency). This variant has not been reported in the literature in individuals affected with BARD1-related conditions. ClinVar contains an entry for this variant (Variation ID: 576037). Studies have shown that disruption of this splice site is associated with altered splicing resulting in multiple RNA products (Invitae). In summary, the currently available evidence indicates that the variant is pathogenic, but additional data are needed to prove that conclusively. Therefore, this variant has been classified as Likely Pathogenic.

Myriad Genetics, Inc.
Classification: Likely pathogenic for Familial cancer of breast. Last evaluated: 2023-05-18. Review status: criteria provided, single submitter. Criteria: Myriad Autosomal Dominant, Autosomal Recessive and X-Linked Classification Criteria (2023). Collection method: clinical testing. Allele origin: unknown.
Comment: This variant is considered likely pathogenic. This variant occurs within a consensus splice junction and is predicted to result in abnormal mRNA splicing of either an out-of-frame exon or an in-frame exon necessary for protein stability and/or normal function.

GeneDx
Classification: Likely pathogenic. Last evaluated: 2023-03-09. Review status: criteria provided, single submitter. Criteria: GeneDx Variant Classification Process June 2021. Collection method: clinical testing. Allele origin: germline. Affected: yes.
Comment: Canonical splice site variant expected to result in aberrant splicing, although in the absence of functional evidence the actual effect of this sequence change is unknown; Not observed at significant frequency in large population cohorts (gnomAD); Has not been previously published as pathogenic or benign in an individual with cancer to our knowledge; This variant is associated with the following publications: (PMID: 18480049, 31803232, 33084842)

Sema4
Classification: Likely pathogenic for Hereditary cancer-predisposing syndrome. Last evaluated: 2021-08-26. Review status: criteria provided, single submitter. Criteria: Sema4 Curation Guidelines. Collection method: curation. Allele origin: germline.
Comment: To the best of our knowledge, the BARD1 c.215+2T>C variant has not been reported in individuals with BARD1-related disease. This variant affects a nucleotide within a consensus splice site of an intron. This variant may cause exon skipping, intron retention or use of a cryptic splice site. This variant was observed in 1/113474 chromosomes in the Non-Finnish European population, according to the Genome Aggregation Database (PMID: 32461654). This variant has been reported in ClinVar (Variation ID: 576037). Based on the current evidence available, this variant is interpreted as likely pathogenic.

Literature cited by the submitters: PubMed 31803232 (cited by Ambry Genetics); PubMed 16199547 (cited by Labcorp Genetics (formerly Invitae), Labcorp); PubMed 20077502 (cited by Labcorp Genetics (formerly Invitae), Labcorp); PubMed 21344236 (cited by Labcorp Genetics (formerly Invitae), Labcorp).

NM_000465.4(BARD1):c.215+2T>C

Gene: BARD1 (BRCA1 associated RING domain 1; minus strand). Cytogenetic location: 2q35.
Variant type: single nucleotide variant.
Coding change: c.215+2T>C on transcript NM_000465.4 (MANE Select); the canonical splice donor site of the intron after coding-DNA position 215, T replaced by C.
Molecular consequence: splice donor variant. On other transcripts: intron variant (2).
Genome position (GRCh38, 1-based): chr2:214,797,059, A>G on the plus strand (T>C on the coding strand, the complement: BARD1 is on the minus strand). VCF-style: chr2-214797059-A-G. GRCh37 (hg19) VCF-style: chr2-215661783-A-G.
Other names: c.158+12353T>C (NM_001282548.2); c.159-4614T>C (NM_001282543.2); c.215+2T>C (NM_001282545.2, NM_001282549.2).
Identifiers: ClinVar variation 576037 (VCV000576037.17), dbSNP rs1559441760, ClinGen allele CA350462108.